The following is an entry in ClinVar:

ClinVar aggregate classification (germline): Benign/Likely benign. Review status: criteria provided, multiple submitters, no conflicts (2 of 4 stars). 3 submissions from 3 submitters: Benign (1); Likely benign (2). Last evaluated 2026-02-01.

Conditions:
Primary immunodeficiency with natural-killer cell deficiency and adrenal insufficiency (IMD54). Also called: IMMUNODEFICIENCY 54; Natural killer cell and glucocorticoid deficiency with DNA repair defect. Identifiers: Orphanet 75391, MedGen C1864947, MONDO:0012383, OMIM 609981.

Allele frequency attached by ClinVar (database versions not stated): gnomAD below 0.00001 and 0.00017; TOPMed 0.00002; gnomAD exomes 0.00030 and 0.00060; ExAC 0.00058; 1000 Genomes Project 30x 0.00109; 1000 Genomes Project 0.00120.
gnomAD v4.1: 475 of 1,614,160 alleles (0.029%); highest among the groups gnomAD compares: South Asian, 0.48%; 7 homozygotes.

Submissions (3):

Labcorp Genetics (formerly Invitae), Labcorp
Classification: Benign. Last evaluated: 2026-02-01. Review status: criteria provided, single submitter. Criteria: Invitae Variant Classification Sherloc (09022015). Collection method: clinical testing. Allele origin: germline.

Blueprint Genetics
Classification: Likely benign. Last evaluated: 2024-11-18. Review status: criteria provided, single submitter. Criteria: ACMG Guidelines, 2015. Collection method: clinical testing. Allele origin: germline.

Illumina Laboratory Services, Illumina
Classification: Likely benign for Primary immunodeficiency with natural-killer cell deficiency and adrenal insufficiency. Last evaluated: 2018-01-13. Review status: criteria provided, single submitter. Criteria: ICSL Variant Classification Criteria 13 December 2019. Collection method: clinical testing. Allele origin: germline.
Comment: This variant was observed in the ICSL laboratory as part of a predisposition screen in an ostensibly healthy population. It had not been previously curated by ICSL or reported in the Human Gene Mutation Database (HGMD: prior to June 1st, 2018), and was therefore a candidate for classification through an automated scoring system. Utilizing variant allele frequency, disease prevalence and penetrance estimates, and inheritance mode, an automated score was calculated to assess if this variant is too frequent to cause the disease. Based on the score and internal cut-off values, a variant classified as likely benign is not then subjected to further curation. The score for this variant resulted in a classification of likely benign for this disease.

NM_182746.3(MCM4):c.2172G>A (p.Arg724=)

Gene: MCM4 (minichromosome maintenance complex component 4; plus strand). Cytogenetic location: 8q11.21.
Variant type: single nucleotide variant.
Coding change: c.2172G>A on transcript NM_182746.3 (MANE Select); coding-DNA position 2172, G replaced by A.
Protein change: p.Arg724=; no amino-acid change (arginine 724 retained).
Molecular consequence: synonymous variant.
Genome position (GRCh38, 1-based): chr8:47,974,769, G>A. VCF-style: chr8-47974769-G-A. GRCh37 (hg19) VCF-style: chr8-48887329-G-A.
Other names: c.2172G>A, p.Arg724= (NM_005914.4).
Identifiers: ClinVar variation 756428 (VCV000756428.13), dbSNP rs367938513, ClinGen allele CA4742844.